The following is an entry in ClinVar:

NM_001242896.3(DEPDC5):c.2634-7T>G

Gene: DEPDC5 (DEP domain containing 5, GATOR1 subcomplex subunit; plus strand). Cytogenetic location: 22q12.3.
Variant type: single nucleotide variant.
Coding change: c.2634-7T>G on transcript NM_001242896.3 (MANE Select); 7 bases into the intron before coding-DNA position 2634, T replaced by G.
Molecular consequence: intron variant.
Genome position (GRCh38, 1-based): chr22:31,843,638, T>G. VCF-style: chr22-31843638-T-G. GRCh37 (hg19) VCF-style: chr22-32239624-T-G.
Other names: c.2634-7T>G (NM_001364318.2, NM_001363852.2, NM_001364320.2); c.2607-7T>G (NM_001136029.4, NM_014662.6, NM_001369903.1); c.2400-7T>G (NM_001363854.2, NM_001242897.2, NM_001364319.2); c.2550-7T>G (NM_001369902.1, NM_001369901.1).
Identifiers: ClinVar variation 3629969 (VCV003629969.1).

ClinVar aggregate classification (germline): Uncertain significance (1 of 4 stars; one submission).

Submission:

Women's Health and Genetics/Laboratory Corporation of America, LabCorp
Classification: Uncertain significance. Last evaluated: 2024-11-20. Review status: criteria provided, single submitter. Criteria: LabCorp Variant Classification Summary - May 2015. Collection method: clinical testing. Allele origin: germline.
Comment: Variant summary: DEPDC5 c.2634-7T>G alters a non-conserved nucleotide located close to a canonical splice site and therefore could affect mRNA splicing, leading to a significantly altered protein sequence. Consensus agreement among computation tools predict no significant impact on normal splicing. However, these predictions have yet to be confirmed by functional studies. The variant was absent in 246568 control chromosomes. The available data on variant occurrences in the general population are insufficient to allow any conclusion about variant significance. To our knowledge, no occurrence of c.2634-7T>G in individuals affected with Epilepsy, Familial Focal, With Variable Foci 1 and no experimental evidence demonstrating its impact on protein function have been reported. No submitters have cited clinical-significance assessments for this variant to ClinVar. Based on the evidence outlined above, the variant was classified as uncertain significance.